The following is an entry in ClinVar:

ClinVar aggregate classification (germline): Uncertain significance (1 of 4 stars; one submission).

Submission:

GeneDx
Classification: Uncertain significance. Last evaluated: 2024-07-11. Review status: criteria provided, single submitter. Criteria: GeneDx Variant Classification Process June 2021. Collection method: clinical testing. Allele origin: germline. Affected: yes.
Comment: Not observed at significant frequency in large population cohorts (gnomAD); In silico analysis supports that this missense variant has a deleterious effect on protein structure/function; Has not been previously published as pathogenic or benign to our knowledge

NM_006014.5(LAGE3):c.196A>C (p.Ser66Arg)

Gene: LAGE3 (L antigen family member 3; minus strand). Cytogenetic location: Xq28.
Variant type: single nucleotide variant.
Coding change: c.196A>C on transcript NM_006014.5 (MANE Select); coding-DNA position 196, A replaced by C.
Protein change: p.Ser66Arg; replaces serine 66 with arginine.
Molecular consequence: missense variant.
Genome position (GRCh38, 1-based): chrX:154,478,404, T>G on the plus strand (A>C on the coding strand, the complement: LAGE3 is on the minus strand). VCF-style: chrX-154478404-T-G. GRCh37 (hg19) VCF-style: chrX-153706743-T-G.
Other names: short protein forms S66R.
Identifiers: ClinVar variation 3572436 (VCV003572436.1).